The following is an entry in ClinVar:

NM_003002.4(SDHD):c.18G>A (p.Arg6=)

Genes: SDHD (succinate dehydrogenase complex subunit D; plus strand), LOC126861339 (BRD4-independent group 4 enhancer GRCh37_chr11:111957035-111958234; plus strand). Cytogenetic location: 11q23.1.
Variant type: single nucleotide variant.
Coding change: c.18G>A on transcript NM_003002.4 (MANE Select); coding-DNA position 18, G replaced by A.
Protein change: p.Arg6=; no amino-acid change (arginine 6 retained).
Molecular consequence: synonymous variant. On other transcripts: non-coding transcript variant (1).
Genome position (GRCh38, 1-based): chr11:112,086,925, G>A. VCF-style: chr11-112086925-G-A. GRCh37 (hg19) VCF-style: chr11-111957649-G-A.
Other names: c.18G>A, p.Arg6= (NM_001276503.2, NM_001276504.2, NM_001276506.2).
Identifiers: ClinVar variation 239462 (VCV000239462.38), dbSNP rs200895313, ClinGen allele CA070819.
Genomic context (GRCh38, chr11:112,086,925, plus strand): 5'-GTGGTTCCGGGTTGGTGGATGACCTTGAGCCCTCAGGAACGAGATGGCGGTTCTCTGGAG[G>A]CTGAGTGCCGTTTGCGGTGCCCTAGGAGGCCGAGGTGAGGGGTCTTCCCACCCTGAGGTG-3'
Protein context (NP_002993.1, residues 1-16): MAVLW[Arg6=]LSAVCGALGG

ClinVar aggregate classification (germline): Benign/Likely benign. Review status: criteria provided, multiple submitters, no conflicts (2 of 4 stars). 8 submissions from 8 submitters: Benign (1); Likely benign (7). Last evaluated 2026-01-20.

Conditions:
Cowden syndrome 3 (CWS3). Identifiers: Orphanet 201, MedGen CN166604, MONDO:0014045.
Carney-Stratakis syndrome. Also called: PARAGANGLIOMA AND GASTROINTESTINAL STROMAL TUMOR. Identifiers: Orphanet 97286, MedGen C1847319, MONDO:0011740, OMIM 606864.
Paragangliomas with sensorineural hearing loss. Identifiers: MedGen C1868633.
Pheochromocytoma. Also called: MAX-Related Hereditary Paraganglioma-Pheochromocytoma Syndrome. Identifiers: Orphanet 29072, MedGen C0031511, MONDO:0008233, OMIM 171300, HP:0002666.
Hereditary cancer-predisposing syndrome. Also called: Tumor predisposition; Hereditary Cancer Syndrome; Neoplastic Syndromes, Hereditary; Hereditary neoplastic syndrome. Identifiers: Orphanet 140162, MedGen C0027672, MeSH D009386, MONDO:0015356.
Hereditary pheochromocytoma and paraganglioma. Also called: Hereditary Paraganglioma-Pheochromocytoma Syndromes; Hereditary paragangliomas and pheochromocytomas; Hereditary pheochromocytoma-paraganglioma. Identifiers: Orphanet 29072, MedGen C4274332, MONDO:0017366.
Pheochromocytoma/paraganglioma syndrome 1. Also called: PARAGANGLIOMATA; Paragangliomas 1; Glomus tumors familial 1; Paraganglioma - glomus jugulare; SDHD-Related Hereditary Paraganglioma-Pheochromocytoma Syndrome; PARAGANGLIOMAS, FAMILIAL NONCHROMAFFIN, 1. Identifiers: Orphanet 29072, MedGen C3494181, MONDO:0008192, OMIM 168000.

Allele frequency attached by ClinVar (database versions not stated): gnomAD exomes 0.00001 and 0.00002; TOPMed 0.00001; ExAC 0.00002; gnomAD 0.00002.

Submissions (8):

Labcorp Genetics (formerly Invitae), Labcorp
Classification: Likely benign for Carney-Stratakis syndrome; Paragangliomas with sensorineural hearing loss; Pheochromocytoma; Cowden syndrome 3. Last evaluated: 2026-01-20. Review status: criteria provided, single submitter. Criteria: Invitae Variant Classification Sherloc (09022015). Collection method: clinical testing. Allele origin: germline.

Myriad Genetics, Inc.
Classification: Benign for Pheochromocytoma/paraganglioma syndrome 1. Last evaluated: 2025-03-17. Review status: criteria provided, single submitter. Criteria: Myriad Autosomal Dominant, Autosomal Recessive and X-Linked Classification Criteria (2023). Collection method: clinical testing. Allele origin: unknown.
Comment: This variant is considered benign. This variant is a silent/synonymous amino acid change and it is not expected to impact splicing.

CeGaT Center for Human Genetics Tuebingen
Classification: Likely benign. Last evaluated: 2024-08-01. Review status: criteria provided, single submitter. Criteria: CeGaT Center For Human Genetics Tuebingen Variant Classification Criteria Version 2. Collection method: clinical testing. Allele origin: germline. Affected: yes. Observed: 1 variant allele.
Comment: SDHD: BP4, BP7

All of Us Research Program, National Institutes of Health
Classification: Likely benign for Hereditary pheochromocytoma and paraganglioma. Last evaluated: 2023-05-16. Review status: criteria provided, single submitter. Criteria: ACMG Guidelines, 2015. Collection method: clinical testing. Allele origin: germline. Inheritance: Autosomal dominant inheritance. Observed: 1 variant allele, 1 heterozygote.
Comment: This study involves interpretation of variants in research participants for the purpose of population health screening. Participant phenotype was not available at the time of variant classification. Additional details can be found in publication PMID: 35346344, PMCID: PMC8962531

Color Diagnostics, LLC DBA Color Health
Classification: Likely benign for Hereditary pheochromocytoma and paraganglioma. Last evaluated: 2022-05-02. Review status: criteria provided, single submitter. Criteria: ACMG Guidelines, 2015. Collection method: clinical testing. Allele origin: germline.

GeneDx
Classification: Likely benign. Last evaluated: 2020-06-17. Review status: criteria provided, single submitter. Criteria: GeneDx Variant Classification Process June 2021. Collection method: clinical testing. Allele origin: germline. Affected: yes.

Ambry Genetics
Classification: Likely benign for Hereditary cancer-predisposing syndrome. Last evaluated: 2018-04-09. Review status: criteria provided, single submitter. Criteria: Ambry Variant Classification Scheme 2023. Collection method: clinical testing. Allele origin: germline.

Quest Diagnostics Nichols Institute San Juan Capistrano
Classification: Likely benign. Last evaluated: 2017-04-14. Review status: criteria provided, single submitter. Criteria: Quest Diagnostics criteria. Collection method: clinical testing. Allele origin: germline.